The following is an entry in ClinVar:

ClinVar aggregate classification (germline): Uncertain significance. Review status: criteria provided, multiple submitters, no conflicts (2 of 4 stars). 3 submissions from 3 submitters: Uncertain significance (3). Last evaluated 2026-06-01.

Conditions:
Inborn genetic diseases. Identifiers: MedGen C0950123, MeSH D030342.
Joubert syndrome 3 (JBTS3). Also called: AHI1-related Ciliopathy. Identifiers: Orphanet 220493, MedGen C1837713, MONDO:0012078, OMIM 608629.

Allele frequency attached by ClinVar (database versions not stated): TOPMed below 0.00001; gnomAD 0.00001; ExAC 0.00002; gnomAD exomes 0.00002.
gnomAD v4.1: 13 of 1,608,286 alleles (0.00081%); highest among the groups gnomAD compares: East Asian, 0.02%; no homozygotes.

Submissions (3):

CeGaT Center for Human Genetics Tuebingen
Classification: Uncertain significance. Last evaluated: 2026-06-01. Review status: criteria provided, single submitter. Criteria: CeGaT Center For Human Genetics Tuebingen Variant Classification Criteria Version 2. Collection method: clinical testing. Allele origin: germline. Affected: yes. Observed: 1 variant allele.
Comment: AHI1: PM2, PM3:Supporting, BP4

Fulgent Genetics
Classification: Uncertain significance for Joubert syndrome 3. Last evaluated: 2024-06-18. Review status: criteria provided, single submitter. Criteria: ACMG Guidelines, 2015. Collection method: clinical testing. Allele origin: germline.

Ambry Genetics
Classification: Uncertain significance for Inborn genetic diseases. Last evaluated: 2023-06-02. Review status: criteria provided, single submitter. Criteria: Ambry Variant Classification Scheme 2023. Collection method: clinical testing. Allele origin: germline.

NM_001134831.2(AHI1):c.877A>G (p.Met293Val)

Gene: AHI1 (Abelson helper integration site 1; minus strand). Cytogenetic location: 6q23.3.
Variant type: single nucleotide variant.
Coding change: c.877A>G on transcript NM_001134831.2 (MANE Select); coding-DNA position 877, A replaced by G.
Protein change: p.Met293Val; replaces methionine 293 with valine.
Molecular consequence: missense variant.
Genome position (GRCh38, 1-based): chr6:135,463,179, T>C on the plus strand (A>G on the coding strand, the complement: AHI1 is on the minus strand). VCF-style: chr6-135463179-T-C. GRCh37 (hg19) VCF-style: chr6-135784317-T-C.
Other names: c.877A>G, p.Met293Val (NM_001134830.2, NM_001134832.2, NM_001350503.2 and 2 more transcripts); short protein forms M293V.
Identifiers: ClinVar variation 2537198 (VCV002537198.5), dbSNP rs772255541, ClinGen allele CA4012736.